The following is an entry in ClinVar:

ClinVar aggregate classification (germline): Uncertain significance. Review status: criteria provided, multiple submitters, no conflicts (2 of 4 stars). 2 submissions from 2 submitters: Uncertain significance (2). Last evaluated 2026-04-19.

Conditions:
Hereditary cancer-predisposing syndrome. Also called: Neoplastic Syndromes, Hereditary; Tumor predisposition; Hereditary Cancer Syndrome; Hereditary neoplastic syndrome. Identifiers: Orphanet 140162, MedGen C0027672, MeSH D009386, MONDO:0015356.

Submissions (2):

Ambry Genetics
Classification: Uncertain significance for Hereditary cancer-predisposing syndrome. Last evaluated: 2026-04-19. Review status: criteria provided, single submitter. Criteria: Ambry Variant Classification Scheme 2023. Collection method: clinical testing. Allele origin: germline.
Comment: The p.L347H variant (also known as c.1040T>A), located in coding exon 7 of the RAD50 gene, results from a T to A substitution at nucleotide position 1040. The leucine at codon 347 is replaced by histidine, an amino acid with similar properties. This amino acid position is conserved. In addition, this alteration is predicted to be tolerated by in silico analysis. Based on the available evidence, the clinical significance of this variant remains unclear.

Labcorp Genetics (formerly Invitae), Labcorp
Classification: Uncertain significance for Hereditary cancer-predisposing syndrome. Last evaluated: 2022-06-12. Review status: criteria provided, single submitter. Criteria: Invitae Variant Classification Sherloc (09022015). Collection method: clinical testing. Allele origin: germline.
Comment: This sequence change replaces leucine, which is neutral and non-polar, with histidine, which is basic and polar, at codon 347 of the RAD50 protein (p.Leu347His). In summary, the available evidence is currently insufficient to determine the role of this variant in disease. Therefore, it has been classified as a Variant of Uncertain Significance. Algorithms developed to predict the effect of missense changes on protein structure and function are either unavailable or do not agree on the potential impact of this missense change (SIFT: "Deleterious"; PolyPhen-2: "Probably Damaging"; Align-GVGD: "Class C0"). This variant has not been reported in the literature in individuals affected with RAD50-related conditions. This variant is not present in population databases (gnomAD no frequency).

NM_005732.4(RAD50):c.1040T>A (p.Leu347His)

Gene: RAD50 (RAD50 double strand break repair protein; plus strand). Cytogenetic location: 5q31.1.
Variant type: single nucleotide variant.
Coding change: c.1040T>A on transcript NM_005732.4 (MANE Select); coding-DNA position 1040, T replaced by A.
Protein change: p.Leu347His; replaces leucine 347 with histidine.
Molecular consequence: missense variant.
Genome position (GRCh38, 1-based): chr5:132,588,078, T>A. VCF-style: chr5-132588078-T-A. GRCh37 (hg19) VCF-style: chr5-131923770-T-A.
Other names: c.1040T>A (NM_005732.3); short protein forms L347H.
Identifiers: ClinVar variation 2005062 (VCV002005062.5), dbSNP rs1750629036, ClinGen allele CA360941669.